The following is an entry in ClinVar:

NM_015158.5(KANK1):c.3757C>T (p.Leu1253Phe)

Gene: KANK1 (KN motif and ankyrin repeat domains 1; plus strand). Cytogenetic location: 9p24.3.
Variant type: single nucleotide variant.
Coding change: c.3757C>T on transcript NM_015158.5 (MANE Select); coding-DNA position 3757, C replaced by T.
Protein change: p.Leu1253Phe; replaces leucine 1253 with phenylalanine.
Molecular consequence: missense variant. On other transcripts: non-coding transcript variant (1).
Genome position (GRCh38, 1-based): chr9:742,265, C>T. VCF-style: chr9-742265-C-T. GRCh37 (hg19) VCF-style: chr9-742265-C-T.
Other names: c.3757C>T, p.Leu1253Phe (NM_001256876.3, NM_001256877.3, NM_001354334.2); c.3517C>T, p.Leu1173Phe (NM_001354331.2); c.3703C>T, p.Leu1235Phe (NM_001354332.2); c.3283C>T, p.Leu1095Phe (NM_001354333.2, NM_001354335.2, NM_001354337.2 and 2 more transcripts); c.2989C>T, p.Leu997Phe (NM_001354336.2); c.3229C>T, p.Leu1077Phe (NM_001354338.2, NM_001354340.2, NM_001354344.2); c.3043C>T, p.Leu1015Phe (NM_001354339.2, NM_001354342.2, NM_001354343.2); short protein forms L1077F, L1173F, L1235F, L1253F, L997F, L1015F, L1095F.
Identifiers: ClinVar variation 1461386 (VCV001461386.6), dbSNP rs1332268698, ClinGen allele CA372762448.

ClinVar aggregate classification (germline): Uncertain significance (1 of 4 stars; one submission).

Allele frequency attached by ClinVar (database versions not stated): gnomAD exomes below 0.00001; TOPMed below 0.00001.
gnomAD v4.1: 4 of 1,614,222 alleles (0.00025%); highest among the groups gnomAD compares: South Asian, 0.0022%; no homozygotes.

Submission:

Labcorp Genetics (formerly Invitae), Labcorp
Classification: Uncertain significance. Last evaluated: 2025-02-24. Review status: criteria provided, single submitter. Criteria: Invitae Variant Classification Sherloc (09022015). Collection method: clinical testing. Allele origin: germline.
Comment: This sequence change replaces leucine, which is neutral and non-polar, with phenylalanine, which is neutral and non-polar, at codon 1253 of the KANK1 protein (p.Leu1253Phe). This variant is present in population databases (no rsID available, gnomAD 0.003%). This variant has not been reported in the literature in individuals affected with KANK1-related conditions. ClinVar contains an entry for this variant (Variation ID: 1461386). An algorithm developed to predict the effect of missense changes on protein structure and function (PolyPhen-2) suggests that this variant is likely to be disruptive. In summary, the available evidence is currently insufficient to determine the role of this variant in disease. Therefore, it has been classified as a Variant of Uncertain Significance.